The following is an entry in ClinVar:

ClinVar aggregate classification (germline): Uncertain significance (1 of 4 stars; one submission).

Conditions:
Hereditary cancer-predisposing syndrome. Also called: Hereditary Cancer Syndrome; Neoplastic Syndromes, Hereditary; Tumor predisposition; Hereditary neoplastic syndrome. Identifiers: Orphanet 140162, MedGen C0027672, MeSH D009386, MONDO:0015356.

Submission:

Color Diagnostics, LLC DBA Color Health
Classification: Uncertain significance for Hereditary cancer-predisposing syndrome. Last evaluated: 2023-12-05. Review status: criteria provided, single submitter. Criteria: ACMG Guidelines, 2015. Collection method: clinical testing. Allele origin: germline.
Comment: This missense variant replaces valine with leucine at codon 309 of the RAD51D protein. Computational prediction suggests that this variant may not impact protein structure and function (internally defined REVEL score threshold <= 0.5, PMID: 27666373). To our knowledge, functional studies have not been reported for this variant. This variant has not been reported in individuals affected with RAD51D-related disorders in the literature. This variant has not been identified in the general population by the Genome Aggregation Database (gnomAD). The available evidence is insufficient to determine the role of this variant in disease conclusively. Therefore, this variant is classified as a Variant of Uncertain Significance.

NM_002878.4(RAD51D):c.925G>T (p.Val309Leu)

Genes: RAD51D (RAD51 paralog D; minus strand), RAD51L3-RFFL (RAD51L3-RFFL readthrough; minus strand). Cytogenetic location: 17q12.
Variant type: single nucleotide variant.
Coding change: c.925G>T on transcript NM_002878.4 (MANE Select); coding-DNA position 925, G replaced by T.
Protein change: p.Val309Leu; replaces valine 309 with leucine.
Molecular consequence: missense variant. On other transcripts: non-coding transcript variant (2).
Genome position (GRCh38, 1-based): chr17:35,101,015, C>A on the plus strand (G>T on the coding strand, the complement: RAD51D is on the minus strand). VCF-style: chr17-35101015-C-A. GRCh37 (hg19) VCF-style: chr17-33428034-C-A.
Other names: c.985G>T, p.Val329Leu (NM_001142571.2); c.589G>T, p.Val197Leu (NM_133629.3); short protein forms V309L, V197L, V329L.
Identifiers: ClinVar variation 490148 (VCV000490148.6), dbSNP rs1555566979, ClinGen allele CA399086147.